The following is an entry in ClinVar:

NM_004370.6(COL12A1):c.7331C>T (p.Ala2444Val)

Genes: COL12A1 (collagen type XII alpha 1 chain; minus strand), LOC126859712 (MED14-independent group 3 enhancer GRCh37_chr6:75828643-75829842; plus strand). Cytogenetic location: 6q13.
Variant type: single nucleotide variant.
Coding change: c.7331C>T on transcript NM_004370.6 (MANE Select); coding-DNA position 7331, C replaced by T.
Protein change: p.Ala2444Val; replaces alanine 2444 with valine.
Molecular consequence: missense variant.
Genome position (GRCh38, 1-based): chr6:75,119,066, G>A on the plus strand (C>T on the coding strand, the complement: COL12A1 is on the minus strand). VCF-style: chr6-75119066-G-A. GRCh37 (hg19) VCF-style: chr6-75828782-G-A.
Other names: c.7331C>T (NM_004370.5); c.3839C>T, p.Ala1280Val (NM_080645.3); short protein forms A1280V, A2444V.
Identifiers: ClinVar variation 1051021 (VCV001051021.13), dbSNP rs367980407, ClinGen allele CA3892597.

ClinVar aggregate classification (germline): Conflicting classifications of pathogenicity. Review status: criteria provided, conflicting classifications (1 of 4 stars). 4 submissions from 4 submitters: Uncertain significance (2); Likely benign (2). Last evaluated 2025-10-21.

Conditions:
Ullrich congenital muscular dystrophy 2 (UCMD2). Identifiers: Orphanet 75840, MedGen C4225314, MONDO:0014654, OMIM 616470.
Bethlem myopathy 2 (BTHLM2). Identifiers: Orphanet 536516, Orphanet 610, MedGen C4225313, MONDO:0034022, OMIM 616471.
Inborn genetic diseases. Identifiers: MedGen C0950123, MeSH D030342.

Allele frequency attached by ClinVar (database versions not stated): gnomAD 0.00005; ESP Exome Variant Server 0.00016.
gnomAD v4.1: 67 of 1,613,738 alleles (0.0042%); highest among the groups gnomAD compares: African/African-American, 0.004%; no homozygotes.

Submissions (4):

Labcorp Genetics (formerly Invitae), Labcorp
Classification: Likely benign for Bethlem myopathy 2; Ullrich congenital muscular dystrophy 2. Last evaluated: 2025-10-21. Review status: criteria provided, single submitter. Criteria: Invitae Variant Classification Sherloc (09022015). Collection method: clinical testing. Allele origin: germline.

Ambry Genetics
Classification: Likely benign for Inborn genetic diseases. Last evaluated: 2024-12-07. Review status: criteria provided, single submitter. Criteria: Ambry Variant Classification Scheme 2023. Collection method: clinical testing. Allele origin: germline.

GeneDx
Classification: Uncertain significance. Last evaluated: 2023-10-20. Review status: criteria provided, single submitter. Criteria: GeneDx Variant Classification Process June 2021. Collection method: clinical testing. Allele origin: germline. Affected: yes.
Comment: Has not been previously published as pathogenic or benign to our knowledge; In silico analysis supports that this missense variant does not alter protein structure/function

Revvity Omics, Revvity
Classification: Uncertain significance. Last evaluated: 2022-04-20. Review status: criteria provided, single submitter. Criteria: ACMG Guidelines, 2015. Collection method: clinical testing. Allele origin: germline.